The following is an entry in ClinVar:

ClinVar aggregate classification (germline): Conflicting classifications of pathogenicity. Review status: criteria provided, conflicting classifications (1 of 4 stars). 7 submissions from 7 submitters: Pathogenic (1); Likely pathogenic (1); Uncertain significance (3). 2 of the submissions do not count toward it. Last evaluated 2026-09-18.

Conditions:
Malignant hyperthermia, susceptibility to, 1 (MHS1). Also called: Anesthesia related hyperthermia; Malignant hyperpyrexia; Fulminating hyperpyrexia; Pharmacogenic myopathy; RYR1-Related Malignant Hyperthermia Susceptibility; Malignant hyperthermia suceptibility 1. Identifiers: Orphanet 423, MedGen C2930980, MONDO:0007783, OMIM 145600.
King Denborough syndrome (KDS). Identifiers: MedGen C1840365, MONDO:0020485, OMIM 619542.
Central core myopathy (CMYO1A). Also called: Central core disease; Myopathy, central fibrillar; CONGENITAL MYOPATHY 1A, AUTOSOMAL DOMINANT, WITH SUSCEPTIBILITY TO MALIGNANT HYPERTHERMIA. Identifiers: Orphanet 597, MedGen C5830701, MONDO:0007294, OMIM 117000.
Congenital multicore myopathy with external ophthalmoplegia (CMYO1B). Also called: MULTIMINICORE DISEASE WITH EXTERNAL OPHTHALMOPLEGIA; Minicore myopathy with external ophthalmoplegia; MULTICORE MYOPATHY; Congenital myopathy 1B, autosomal recessive; Minicore myopathy. Identifiers: Orphanet 598, Orphanet 98905, MedGen C1850674, MONDO:0009712, OMIM 255320, HP:0003789.
Congenital myopathy with fiber type disproportion. Also called: Congenital fiber-type disproportion myopathy; Congenital fiber-type disproportion. Identifiers: Orphanet 2020, MedGen C0546264, MONDO:0009711. Inheritance: all.
RYR1-related disorder. Also called: RYR1-related disorders; RYR1-related condition. Identifiers: MedGen CN239331.

Allele frequency attached by ClinVar (database versions not stated): TOPMed below 0.00001; ExAC 0.00002; 1000 Genomes Project 30x 0.00016; gnomAD 0.00001; gnomAD exomes 0.00001; 1000 Genomes Project 0.00020.
gnomAD v4.1: 13 of 1,613,992 alleles (0.00081%); highest among the groups gnomAD compares: South Asian, 0.0011%; no homozygotes.

Submissions (7):

GeneDx
Classification: Likely pathogenic. Last evaluated: 2026-09-18. Review status: criteria provided, single submitter. Criteria: GeneDx Variant Classification Process June 2021. Collection method: clinical testing. Allele origin: germline.
Comment: Identified in patients with clinical features consistent with an RYR1-related disorder referred for genetic testing at GeneDx and in published literature (PMID: 23394784); In silico analysis supports that this missense variant has a deleterious effect on protein structure/function; Not observed at significant frequency in large population cohorts (gnomAD); This variant is associated with the following publications: (PMID: 22473935, 27616680, 25476234, 23394784)

Labcorp Genetics (formerly Invitae), Labcorp
Classification: Pathogenic for RYR1-related disorder. Last evaluated: 2025-04-17. Review status: criteria provided, single submitter. Criteria: Invitae Variant Classification Sherloc (09022015). Collection method: clinical testing. Allele origin: germline.
Comment: This sequence change replaces glycine, which is neutral and non-polar, with arginine, which is basic and polar, at codon 705 of the RYR1 protein (p.Gly705Arg). This variant is present in population databases (rs565825739, gnomAD 0.003%). This missense change has been observed in individual(s) with autosomal recessive RYR1-related conditions (PMID: 27616680). In at least one individual the data is consistent with being in trans (on the opposite chromosome) from a pathogenic variant. It has also been observed to segregate with disease in related individuals. ClinVar contains an entry for this variant (Variation ID: 1032420). Invitae Evidence Modeling of protein sequence and biophysical properties (such as structural, functional, and spatial information, amino acid conservation, physicochemical variation, residue mobility, and thermodynamic stability) indicates that this missense variant is expected to disrupt RYR1 protein function with a positive predictive value of 95%. For these reasons, this variant has been classified as Pathogenic.

All of Us Research Program, National Institutes of Health
Classification: Uncertain significance for Malignant hyperthermia, susceptibility to, 1. Last evaluated: 2023-10-23. Review status: criteria provided, single submitter. Criteria: ACMG Guidelines, 2015. Collection method: clinical testing. Allele origin: germline. Inheritance: Autosomal dominant inheritance. Observed: 2 variant alleles, 2 heterozygotes.
Comment: This missense variant replaces glycine with arginine at codon 705 of the RYR1 protein. Computational prediction suggests that this variant may have deleterious impact on protein structure and function (internally defined REVEL score threshold >= 0.7, PMID: 27666373). To our knowledge, functional studies have not been reported for this variant. This variant has not been reported in individuals affected with malignant hyperthermia susceptibility but has been reported in individuals with myopathy (PMID: 22473935, 23394784, 25476234, 25476234). This variant has been identified in 2/248930 chromosomes in the general population by the Genome Aggregation Database (gnomAD). The available evidence is insufficient to determine the role of this variant in disease conclusively. Therefore, this variant is classified as a Variant of Uncertain Significance fro autosomal dominant malignant hyperthermia susceptibility.

This study involves interpretation of variants in research participants for the purpose of population health screening. Participant phenotype was not available at the time of variant classification. Additional details can be found in publication PMID: 35346344, PMCID: PMC8962531

Fulgent Genetics
Classification: Uncertain significance for Central core myopathy; Malignant hyperthermia, susceptibility to, 1; Congenital myopathy 4A, autosomal dominant; Congenital multicore myopathy with external ophthalmoplegia; King Denborough syndrome. Last evaluated: 2021-08-12. Review status: criteria provided, single submitter. Criteria: ACMG Guidelines, 2015. Collection method: clinical testing. Allele origin: unknown.

Baylor Genetics
Classification: Uncertain significance for Central core myopathy. Last evaluated: 2018-05-16. Review status: criteria provided, single submitter. Criteria: ACMG Guidelines, 2015. Collection method: clinical testing. Allele origin: maternal. Affected: yes.
Comment: This variant was determined to be of uncertain significance according to ACMG Guidelines, 2015 [PMID:25741868].

Genome Diagnostics Laboratory, University Medical Center Utrecht
Classification: Likely pathogenic. Review status: no assertion criteria provided. Collection method: clinical testing. Allele origin: germline. Affected: yes. Study: VKGL Data-share Consensus. Not counted in ClinVar's aggregate classification.

Joint Genome Diagnostic Labs from Nijmegen and Maastricht, Radboudumc and MUMC+
Classification: Likely pathogenic. Review status: no assertion criteria provided. Collection method: clinical testing. Allele origin: germline. Affected: yes. Study: VKGL Data-share Consensus. Not counted in ClinVar's aggregate classification.

Literature cited by the submitters: PubMed 27616680 (cited by Labcorp Genetics (formerly Invitae), Labcorp); PubMed 22473935 (cited by All of Us Research Program, National Institutes of Health); PubMed 23394784 (cited by All of Us Research Program, National Institutes of Health); PubMed 25476234 (cited by All of Us Research Program, National Institutes of Health).

NM_000540.3(RYR1):c.2113G>A (p.Gly705Arg)

Gene: RYR1 (ryanodine receptor 1; plus strand). Cytogenetic location: 19q13.2.
Variant type: single nucleotide variant.
Coding change: c.2113G>A on transcript NM_000540.3 (MANE Select); coding-DNA position 2113, G replaced by A.
Protein change: p.Gly705Arg; replaces glycine 705 with arginine.
Molecular consequence: missense variant.
Genome position (GRCh38, 1-based): chr19:38,458,238, G>A. VCF-style: chr19-38458238-G-A. GRCh37 (hg19) VCF-style: chr19-38948878-G-A.
Other names: c.2113G>A, p.Gly705Arg (NM_001042723.2); short protein forms G705R.
Identifiers: ClinVar variation 1032420 (VCV001032420.11), dbSNP rs565825739, ClinGen allele CA062851.